The following is an entry in ClinVar:

ClinVar aggregate classification (germline): Pathogenic/Likely pathogenic. Review status: criteria provided, multiple submitters, no conflicts (2 of 4 stars). 11 submissions from 11 submitters: Pathogenic (6); Likely pathogenic (5). Last evaluated 2025-12-02.

Conditions:
Breast-ovarian cancer, familial, susceptibility to, 3. Also called: RAD51C-Related Breast/Ovarian Cancer. Identifiers: Orphanet 145, MedGen C3150659, MONDO:0013253, OMIM 613399.
RAD51C-related cancer predisposition. Identifiers: MedGen CN377762, MONDO:0700273.
RAD51C-related disorder. Also called: RAD51C-related disorders; RAD51C-related condition.
Hereditary cancer-predisposing syndrome. Also called: Tumor predisposition; Hereditary Cancer Syndrome; Hereditary neoplastic syndrome; Neoplastic Syndromes, Hereditary. Identifiers: Orphanet 140162, MedGen C0027672, MeSH D009386, MONDO:0015356.
Fanconi anemia complementation group O. Also called: RAD51C-Related Fanconi Anemia. Identifiers: Orphanet 84, MedGen C3150653, MONDO:0013248, OMIM 613390.
Hereditary breast ovarian cancer syndrome. Also called: Breast and ovarian cancer; Hereditary breast and ovarian cancer syndrome; Hereditary breast and ovarian cancer; BRCA1- and BRCA2-Associated Hereditary Breast and Ovarian Cancer; Hereditary breast and ovarian cancer syndrome (HBOC); Hereditary breast and/or ovarian cancer syndrome. Identifiers: Orphanet 145, MedGen C0677776, MeSH D061325, MONDO:0003582. Disease mechanism: loss of function.

Allele frequency attached by ClinVar (database versions not stated): gnomAD exomes below 0.00001; TOPMed below 0.00001; gnomAD 0.00001.
gnomAD v4.1: 2 of 1,609,762 alleles (0.00012%); highest among the groups gnomAD compares: Admixed American, 0.0034%; no homozygotes.

Submissions (11):

Labcorp Genetics (formerly Invitae), Labcorp
Classification: Pathogenic for Fanconi anemia complementation group O. Last evaluated: 2025-12-02. Review status: criteria provided, single submitter. Criteria: Invitae Variant Classification Sherloc (09022015). Collection method: clinical testing. Allele origin: germline.
Comment: This sequence change affects a donor splice site in intron 2 of the RAD51C gene. RNA analysis indicates that disruption of this splice site induces altered splicing and may result in an absent or altered protein product. This variant is present in population databases (rs730881931, gnomAD 0.003%). Disruption of this splice site has been observed in individual(s) with breast cancer and/or ovarian cancer (PMID: 26681312, 32107557, 33277227). ClinVar contains an entry for this variant (Variation ID: 182835). Studies have shown that disruption of this splice site alters mRNA splicing and is expected to lead to the loss of protein expression (PMID: 35740625; internal data). For these reasons, this variant has been classified as Pathogenic.

Rady Children's Institute for Genomic Medicine, Rady Children's Hospital San Diego
Classification: Pathogenic for RAD51C-related disorders. Last evaluated: 2025-03-14. Review status: criteria provided, single submitter. Criteria: ACMG Guidelines, 2015. Collection method: clinical testing. Allele origin: germline. Affected: yes.
Comment: This variant affects the canonical splice donor site of intron 2 and is therefore predicted to interfere with splicing and result in loss of normal protein function through either protein truncation or nonsense-mediated mRNA decay. Loss-of-function variation in RAD51C is an established mechanism of disease (PMID: 30949688, 20400964, 21990120, 24800917). This variant has been previously reported as a heterozygous change in patients with RAD51C-related cancer predisposition (PMID: 26681312, 32107557, 33277227). The c.404+2T>C variant is present in the latest version of the gnomAD population database at an allele frequency of 0.0001% (2/1609762) and thus is presumed to be rare. Based on the available evidence, c.404+2T>C is classified as Pathogenic.

Ambry Genetics
Classification: Likely pathogenic for Hereditary cancer-predisposing syndrome. Last evaluated: 2024-11-12. Review status: criteria provided, single submitter. Criteria: Ambry Variant Classification Scheme 2023. Collection method: clinical testing. Allele origin: germline.
Comment: The c.404+2T>C intronic variant results from a T to C substitution two nucleotides after coding exon 2 in the RAD51C gene. This alteration was identified in one patient with ovarian cancer out of 10030 consecutive patients referred for evaluation by an NGS hereditary cancer panel (Susswein LR et al. Genet. Med., 2016 08;18:823-32). In another study, this alteration was identified in two families with a history of breast and/or ovarian cancer (Yang X et al. J Natl Cancer Inst, 2020 12;112:1242-1250). This nucleotide position is highly conserved in available vertebrate species. In silico splice site analysis predicts that this alteration will weaken the native splice donor site and will result in the creation or strengthening of a novel splice donor site. RNA studies have demonstrated that this alteration results in abnormal splicing in the set of samples tested (Ambry internal data). Based on the majority of available evidence to date, this variant is likely to be pathogenic.

Color Diagnostics, LLC DBA Color Health
Classification: Likely pathogenic for Hereditary cancer-predisposing syndrome. Last evaluated: 2024-09-23. Review status: criteria provided, single submitter. Criteria: ACMG Guidelines, 2015. Collection method: clinical testing. Allele origin: germline.
Comment: This variant causes a T>C nucleotide substitution at the +2 position of intron 2 of the RAD51C gene. Splice site prediction tools suggest that this variant may abolish the canonical splice site and strengthen a cryptic splice site that would result in the inclusion of 27 nucleotides and a subsequent frameshift. A minigene assay confirmed this prediction and showed that this variant results in transcripts with intron inclusion and out-of-frame exon 2 skipping (PMID: 35740625). This variant has been reported in individuals affected with breast and/or ovarian cancer (PMID: 26681312, 32107557, 33277227; DOI: 10.1016/j.annonc.2021.08.754). This variant has been identified in 1/246102 chromosomes in the general population by the Genome Aggregation Database (gnomAD). Based on the available evidence, this variant is classified as Likely Pathogenic.

Myriad Genetics, Inc.
Classification: Likely pathogenic for Breast-ovarian cancer, familial, susceptibility to, 3. Last evaluated: 2024-01-02. Review status: criteria provided, single submitter. Criteria: Myriad Autosomal Dominant, Autosomal Recessive and X-Linked Classification Criteria (2023). Collection method: clinical testing. Allele origin: unknown.
Comment: This variant is considered likely pathogenic. This variant occurs within a consensus splice junction and is predicted to result in abnormal mRNA splicing of either an out-of-frame exon or an in-frame exon necessary for protein stability and/or normal function.

Baylor Genetics
Classification: Pathogenic for Breast-ovarian cancer, familial, susceptibility to, 3. Last evaluated: 2023-11-11. Review status: criteria provided, single submitter. Criteria: ACMG Guidelines, 2015. Collection method: clinical testing. Allele origin: unknown.

Institute for Genomic Medicine (IGM) Clinical Laboratory, Nationwide Children's Hospital
Classification: Pathogenic for RAD51C-related cancer predisposition. Last evaluated: 2023-05-01. Review status: criteria provided, single submitter. Criteria: ACMG Guidelines, 2015. Collection method: clinical testing. Allele origin: germline.
Comment: This variant is predicted to result in loss of function through nonsense-mediated decay of the encoded transcript or premature truncation of the encoded protein in a gene in which loss of function is a known mechanism of disease (ACMG/AMP: PVS1; PMIDs:21990120, 20400964, 34923718). Well-established functional studies have demonstrated this variant to have a damaging effect on protein function or splicing (ACMG/AMP: PS3_Supporting; PMID:35740625). This variant has been reported at an elevated frequency in affected individuals/in multiple affected individuals in the literature (ACMG/AMP: PS4_Supporting; PMIDs:26681312, 32107557, 33277227). This variant is absent from or present at an exceedingly low frequency in gnomAD, a large-scale control population database (ACMG/AMP: PM2).

GeneDx
Classification: Likely pathogenic. Last evaluated: 2023-01-19. Review status: criteria provided, single submitter. Criteria: GeneDx Variant Classification Process June 2021. Collection method: clinical testing. Allele origin: germline. Affected: yes.
Comment: Canonical splice site variant predicted to result in a null allele in a gene for which loss of function is a known mechanism of disease; Not observed at significant frequency in large population cohorts (gnomAD); Published functional studies demonstrate an out of frame variant on a minigene splicing assay (Sanoguera-Miralles et al., 2022); This variant is associated with the following publications: (PMID: 20400964, 21990120, 24800917, Ibarra2021[Abstract], 26681312, 32107557, 33277227, 29922827, 32359370, 35740625)

Women's Health and Genetics/Laboratory Corporation of America, LabCorp
Classification: Pathogenic for Hereditary breast ovarian cancer syndrome. Last evaluated: 2022-10-11. Review status: criteria provided, single submitter. Criteria: LabCorp Variant Classification Summary - May 2015. Collection method: clinical testing. Allele origin: germline.
Comment: Variant summary: RAD51C c.404+2T>C is located in a canonical splice-site and is predicted to affect mRNA splicing resulting in a significantly altered protein due to either exon skipping, shortening, or inclusion of intronic material. Multiple computational tools predict a significant impact on normal splicing: Three predict the variant abolishes a canonical 5 prime splicing donor site. One publication reports experimental evidence that this variant affects mRNA splicing, eliminating the canonical transcript and producing transcripts with premature termination codons (Sanoguera-Miralles_2022). The variant allele was found at a frequency of 4.1e-06 in 246102 control chromosomes. c.404+2T>C has been reported in the literature in individuals affected with Hereditary Breast And Ovarian Cancer Syndrome (Susswein_2016, Yang_2020, Chavarri-Guerra_2021). These data indicate that the variant is very likely to be associated with disease. Five clinical diagnostic laboratories have submitted clinical-significance assessments for this variant to ClinVar after 2014 without evidence for independent evaluation. All laboratories classified the variant as pathogenic/likely pathogenic. Based on the evidence outlined above, the variant was classified as pathogenic.

Fulgent Genetics
Classification: Likely pathogenic for Fanconi anemia complementation group O; Breast-ovarian cancer, familial, susceptibility to, 3. Last evaluated: 2018-10-31. Review status: criteria provided, single submitter. Criteria: ACMG Guidelines, 2015. Collection method: clinical testing. Allele origin: unknown.

Quest Diagnostics Nichols Institute San Juan Capistrano
Classification: Pathogenic. Last evaluated: 2018-04-16. Review status: criteria provided, single submitter. Criteria: Quest Diagnostics criteria. Collection method: clinical testing. Allele origin: germline.

Literature cited by the submitters: PubMed 26681312 (cited by 6 submitters); PubMed 32107557 (cited by 6 submitters); PubMed 33277227 (cited by 5 submitters); PubMed 35740625 (cited by 4 submitters); PubMed 30949688 (cited by Rady Children's Institute for Genomic Medicine, Rady Children's Hospital San Diego); PubMed 20400964 (cited by Rady Children's Institute for Genomic Medicine, Rady Children's Hospital San Diego and Institute for Genomic Medicine (IGM) Clinical Laboratory, Nationwide Children's Hospital); PubMed 21990120 (cited by Rady Children's Institute for Genomic Medicine, Rady Children's Hospital San Diego and Institute for Genomic Medicine (IGM) Clinical Laboratory, Nationwide Children's Hospital); PubMed 24800917 (cited by Rady Children's Institute for Genomic Medicine, Rady Children's Hospital San Diego); PubMed 34923718 (cited by Institute for Genomic Medicine (IGM) Clinical Laboratory, Nationwide Children's Hospital); PubMed 35186721 (cited by Women's Health and Genetics/Laboratory Corporation of America, LabCorp).

NM_058216.3(RAD51C):c.404+2T>C

Gene: RAD51C (RAD51 paralog C; plus strand). Cytogenetic location: 17q22.
Variant type: single nucleotide variant.
Coding change: c.404+2T>C on transcript NM_058216.3 (MANE Select); the canonical splice donor site of the intron after coding-DNA position 404, T replaced by C.
Molecular consequence: splice donor variant. On other transcripts: stop lost (1), non-coding transcript variant (1).
Genome position (GRCh38, 1-based): chr17:58,695,191, T>C. VCF-style: chr17-58695191-T-C. GRCh37 (hg19) VCF-style: chr17-56772552-T-C.
Other names: *136Q; c.406T>C, p.Ter136Gln (NM_002876.4).
Identifiers: ClinVar variation 182835 (VCV000182835.27), dbSNP rs730881931, ClinGen allele CA299885.
Genomic context (GRCh38, chr17:58,695,191, plus strand): 5'-CCCTTAATGAAAACAACAGAAATTTGTGGTGCACCAGGTGTTGGAAAAACACAATTATGG[T>C]AAAATAAAGTGTTCTCCTTTTAAGGGTGGGTTTAATAACATATTATGAAAGTAGTATTTT-3'